The following is an entry in ClinVar:

NM_001103.4(ACTN2):c.-18C>A

Gene: ACTN2 (actinin alpha 2; plus strand). Cytogenetic location: 1q43.
Variant type: single nucleotide variant.
Coding change: c.-18C>A on transcript NM_001103.4 (MANE Select); 18 bases upstream of the start codon, C replaced by A.
Molecular consequence: 5 prime UTR variant.
Genome position (GRCh38, 1-based): chr1:236,686,656, C>A. VCF-style: chr1-236686656-C-A. GRCh37 (hg19) VCF-style: chr1-236849956-C-A.
Other names: c.-18C>A (NM_001278343.2); c.-839C>A (NM_001278344.2).
Identifiers: ClinVar variation 515171 (VCV000515171.2), dbSNP rs367979371, ClinGen allele CA1472685.

ClinVar aggregate classification (germline): Conflicting classifications of pathogenicity. Review status: criteria provided, conflicting classifications (1 of 4 stars). 2 submissions from 2 submitters: Uncertain significance (1); Likely benign (1). Last evaluated 2024-06-17.

Allele frequency attached by ClinVar (database versions not stated): ESP Exome Variant Server 0.00008; ExAC 0.00001; TOPMed 0.00002; gnomAD 0.00003 and 0.00004.
gnomAD v4.1: 145 of 1,549,984 alleles (0.0094%); highest among the groups gnomAD compares: Non-Finnish European, 0.012%; no homozygotes.

Submissions (2):

Women's Health and Genetics/Laboratory Corporation of America, LabCorp
Classification: Uncertain significance. Last evaluated: 2024-06-17. Review status: criteria provided, single submitter. Criteria: LabCorp Variant Classification Summary - May 2015. Collection method: clinical testing. Allele origin: germline.

GeneDx
Classification: Likely benign. Last evaluated: 2018-02-02. Review status: criteria provided, single submitter. Criteria: GeneDx Variant Classification (06012015). Collection method: clinical testing. Allele origin: germline. Affected: yes.
Comment: This variant is considered likely benign or benign based on one or more of the following criteria: it is a conservative change, it occurs at a poorly conserved position in the protein, it is predicted to be benign by multiple in silico algorithms, and/or has population frequency not consistent with disease.